The following is an entry in ClinVar:

NM_000059.4(BRCA2):c.5936G>A (p.Ser1979Asn)

Gene: BRCA2 (BRCA2 DNA repair associated; plus strand). Cytogenetic location: 13q13.1.
Variant type: single nucleotide variant.
Coding change: c.5936G>A on transcript NM_000059.4 (MANE Select); coding-DNA position 5936, G replaced by A.
Protein change: p.Ser1979Asn; replaces serine 1979 with asparagine.
Molecular consequence: missense variant.
Genome position (GRCh38, 1-based): chr13:32,340,291, G>A. VCF-style: chr13-32340291-G-A. GRCh37 (hg19) VCF-style: chr13-32914428-G-A.
Other names: short protein forms S1979N.
Identifiers: ClinVar variation 640426 (VCV000640426.14), dbSNP rs1593906980, ClinGen allele CA501053.

ClinVar aggregate classification (germline): Conflicting classifications of pathogenicity. Review status: criteria provided, conflicting classifications (1 of 4 stars). 3 submissions from 3 submitters: Uncertain significance (2); Likely benign (1). Last evaluated 2025-04-09.

Conditions:
Hereditary breast ovarian cancer syndrome. Also called: Hereditary breast and ovarian cancer; Hereditary breast and ovarian cancer syndrome (HBOC); BRCA1- and BRCA2-Associated Hereditary Breast and Ovarian Cancer; Hereditary breast and ovarian cancer syndrome; Hereditary breast and/or ovarian cancer syndrome; Breast and ovarian cancer. Identifiers: Orphanet 145, MedGen C0677776, MeSH D061325, MONDO:0003582. Disease mechanism: loss of function.
Hereditary cancer-predisposing syndrome. Also called: Neoplastic Syndromes, Hereditary; Tumor predisposition; Hereditary Cancer Syndrome; Hereditary neoplastic syndrome. Identifiers: Orphanet 140162, MedGen C0027672, MeSH D009386, MONDO:0015356.

Allele frequency attached by ClinVar (database versions not stated): gnomAD exomes below 0.00001.
gnomAD v4.1: 1 of 1,613,952 alleles (0.000062%); highest among the groups gnomAD compares: Non-Finnish European, 0.000085%; no homozygotes.

Submissions (3):

Ambry Genetics
Classification: Uncertain significance for Hereditary cancer-predisposing syndrome. Last evaluated: 2025-04-09. Review status: criteria provided, single submitter. Criteria: Ambry Variant Classification Scheme 2023. Collection method: clinical testing. Allele origin: germline.
Comment: The p.S1979N variant (also known as c.5936G>A), located in coding exon 10 of the BRCA2 gene, results from a G to A substitution at nucleotide position 5936. The serine at codon 1979 is replaced by asparagine, an amino acid with highly similar properties. This amino acid position is well conserved in available vertebrate species. In addition, the in silico prediction for this alteration is inconclusive. Since supporting evidence is limited at this time, the clinical significance of this alteration remains unclear.

University of Washington Department of Laboratory Medicine, University of Washington
Classification: Likely benign for Hereditary cancer-predisposing syndrome. Last evaluated: 2023-03-23. Review status: criteria provided, single submitter. Criteria: Dines et al. (Genet Med. 2020). Collection method: curation. Allele origin: germline.
Comment: Missense variant in a coldspot region where missense variants are very unlikely to be pathogenic (PMID:31911673).

BRCA2 exon 11 coldspot. Reclassification based on statistical prior probability.

Labcorp Genetics (formerly Invitae), Labcorp
Classification: Uncertain significance for Hereditary breast ovarian cancer syndrome. Last evaluated: 2018-11-12. Review status: criteria provided, single submitter. Criteria: Invitae Variant Classification Sherloc (09022015). Collection method: clinical testing. Allele origin: germline.
Comment: Algorithms developed to predict the effect of missense changes on protein structure and function output the following: SIFT: "Tolerated"; PolyPhen-2: "Benign"; Align-GVGD: "Class C0". The asparagine amino acid residue is found in multiple mammalian species, suggesting that this missense change does not adversely affect protein function. These predictions have not been confirmed by published functional studies and their clinical significance is uncertain. In summary, the available evidence is currently insufficient to determine the role of this variant in disease. Therefore, it has been classified as a Variant of Uncertain Significance. This sequence change replaces serine with asparagine at codon 1979 of the BRCA2 protein (p.Ser1979Asn). The serine residue is moderately conserved and there is a small physicochemical difference between serine and asparagine. This variant is not present in population databases (ExAC no frequency). This variant has not been reported in the literature in individuals with BRCA2-related disease.